The following is an entry in ClinVar:

ClinVar aggregate classification (germline): Conflicting classifications of pathogenicity. Review status: criteria provided, conflicting classifications (1 of 4 stars). 3 submissions from 3 submitters: Uncertain significance (1); Likely benign (1). 1 of the submissions does not count toward it. Last evaluated 2024-04-10.

Conditions:
CEP290-related disorder. Also called: CEP290-related condition; CEP290-related disorders. Identifiers: MedGen CN239314.
Joubert syndrome. Also called: CEREBELLOPARENCHYMAL DISORDER IV; JOUBERT-BOLTSHAUSER SYNDROME; Familial aplasia of the vermis. Identifiers: Orphanet 475, MedGen C5979921, MONDO:0018772.
Nephronophthisis. Also called: Juvenile Nephronophthisis. Identifiers: Orphanet 655, MedGen C0687120, MONDO:0019005, HP:0000090.
Meckel-Gruber syndrome. Also called: DYSENCEPHALIA SPLANCHNOCYSTICA; GRUBER SYNDROME; Dysencephalia splachnocystica. Identifiers: Orphanet 564, MedGen C0265215, MONDO:0018921.
Senior-Loken syndrome 6 (SLSN6). Identifiers: Orphanet 3156, MedGen C1857779, MONDO:0012433, OMIM 610189.
Joubert syndrome 5 (JBTS5). Identifiers: Orphanet 2318, MedGen C1857780, MONDO:0012432, OMIM 610188.
Bardet-Biedl syndrome 14 (BBS14). Identifiers: Orphanet 110, MedGen C2673874, MONDO:0014442, OMIM 615991.
Meckel syndrome, type 4 (MKS4). Also called: MECKEL-GRUBER SYNDROME, TYPE 4. Identifiers: Orphanet 564, MedGen C1970161, MONDO:0012626, OMIM 611134.
Leber congenital amaurosis 10 (LCA10). Identifiers: Orphanet 65, MedGen C1857821, MONDO:0012723, OMIM 611755.

Allele frequency attached by ClinVar (database versions not stated): gnomAD exomes below 0.00001; ExAC 0.00001; gnomAD 0.00001; 1000 Genomes Project 30x 0.00016; 1000 Genomes Project 0.00020.
gnomAD v4.1: 6 of 1,610,256 alleles (0.00037%); highest among the groups gnomAD compares: East Asian, 0.0045%; no homozygotes.

Submissions (3):

Fulgent Genetics
Classification: Uncertain significance for Joubert syndrome 5; Senior-Loken syndrome 6; Meckel syndrome, type 4; Leber congenital amaurosis 10; Bardet-Biedl syndrome 14. Last evaluated: 2024-04-10. Review status: criteria provided, single submitter. Criteria: ACMG Guidelines, 2015. Collection method: clinical testing. Allele origin: germline.

Labcorp Genetics (formerly Invitae), Labcorp
Classification: Likely benign for Joubert syndrome; Meckel-Gruber syndrome; Nephronophthisis. Last evaluated: 2024-02-23. Review status: criteria provided, single submitter. Criteria: Invitae Variant Classification Sherloc (09022015). Collection method: clinical testing. Allele origin: germline.

PreventionGenetics, part of Exact Sciences
Classification: Likely benign for CEP290-related condition. Last evaluated: 2019-11-18. Review status: no assertion criteria provided. Collection method: clinical testing. Allele origin: germline. Not counted in ClinVar's aggregate classification.
Comment: This variant is classified as likely benign based on ACMG/AMP sequence variant interpretation guidelines (Richards et al. 2015 PMID: 25741868, with internal and published modifications).

NM_025114.4(CEP290):c.3378G>A (p.Val1126=)

Gene: CEP290 (centrosomal protein 290; minus strand). Cytogenetic location: 12q21.32.
Variant type: single nucleotide variant.
Coding change: c.3378G>A on transcript NM_025114.4 (MANE Select); coding-DNA position 3378, G replaced by A.
Protein change: p.Val1126=; no amino-acid change (valine 1126 retained).
Molecular consequence: synonymous variant.
Genome position (GRCh38, 1-based): chr12:88,092,764, C>T on the plus strand (G>A on the coding strand, the complement: CEP290 is on the minus strand). VCF-style: chr12-88092764-C-T. GRCh37 (hg19) VCF-style: chr12-88486541-C-T.
Other names: c.3378G>A (NM_025114.3).
Identifiers: ClinVar variation 1603523 (VCV001603523.11), dbSNP rs546939043, ClinGen allele CA6712155.
Genomic context (GRCh38, chr12:88,092,764, plus strand): 5'-CATTTCATTCTTCTCTAATTCTAGAATCCGTTGCCTATCAGCATCACTTACTGCCTTGCT[C>T]ACACTATCAGCTAATTCATCTCTTAACATCTGTTCCACCTTCTGTGCATCCAAATTGATT-3'
Protein context (NP_079390.3, residues 1116-1136): QMLRDELADS[Val1126=]SKAVSDADRQ